The following is an entry in ClinVar:

ClinVar aggregate classification (germline): Likely pathogenic (1 of 4 stars; one submission).

Submission:

GeneDx
Classification: Likely pathogenic. Last evaluated: 2022-07-05. Review status: criteria provided, single submitter. Criteria: GeneDx Variant Classification Process June 2021. Collection method: clinical testing. Allele origin: germline. Affected: yes.
Comment: Frameshift variant predicted to result in protein truncation or nonsense mediated decay in a gene for which loss-of-function is a known mechanism of disease; Not observed in large population cohorts (gnomAD); Has not been previously published as pathogenic or benign to our knowledge

NM_024757.5(EHMT1):c.546dup (p.Ser183fs)

Gene: EHMT1 (euchromatic histone lysine methyltransferase 1; plus strand). Cytogenetic location: 9q34.3.
Variant type: Duplication.
Coding change: c.546dup on transcript NM_024757.5 (MANE Select); coding-DNA position 546, one base duplicated (G; older notation c.546dupG).
Protein change: p.Ser183fs; shifts the reading frame from serine 183.
Molecular consequence: frameshift variant.
Genome position (GRCh38, 1-based): chr9:137,717,086, G duplicated; the last of 4 consecutive G bases (chr9:137,717,083-137,717,086); duplicating any one gives the same sequence. VCF-style (leftmost placement, unchanged base first): chr9-137717082-A-AG. GRCh37 (hg19) VCF-style: chr9-140611534-A-AG.
Other names: c.546dup, p.Ser183fs (NM_001145527.2, NM_001354263.2, NM_001354611.2); c.453dup, p.Ser152fs (NM_001354259.2, NM_001354612.2); short protein forms S152fs, S183fs.
Identifiers: ClinVar variation 1695521 (VCV001695521.2), dbSNP rs2135511329, ClinGen allele CA2580081021.